The following is an entry in ClinVar:

ClinVar aggregate classification (germline): Uncertain significance (1 of 4 stars; one submission).

Conditions:
Stickler syndrome type 1 (STL1). Also called: ARTHROOPHTHALMOPATHY, HEREDITARY PROGRESSIVE; COL2A1-Related Stickler Syndrome; STICKLER SYNDROME, MEMBRANOUS VITREOUS TYPE; STICKLER SYNDROME, VITREOUS TYPE 1. Identifiers: Orphanet 828, Orphanet 90653, MedGen C2020284, MONDO:0007160, OMIM 108300.

gnomAD v4.1: 5 of 1,608,286 alleles (0.00031%); highest among the groups gnomAD compares: Non-Finnish European, 0.00042%; no homozygotes.

Submission:

MVZ Medizinische Genetik Mainz
Classification: Uncertain significance for Stickler syndrome type 1. Last evaluated: 2026-06-12. Review status: criteria provided, single submitter. Criteria: UK Practice Guidelines For Variant Classification V4 01 2020. Collection method: clinical testing. Allele origin: germline. Inheritance: Autosomal dominant inheritance. Affected: yes. Observed: 1 variant allele.
Comment: ACMG Criteria: PP3_MOD,PM2_SUP

NM_001844.5(COL2A1):c.3316C>G (p.Arg1106Gly)

Gene: COL2A1 (collagen type II alpha 1 chain; minus strand). Cytogenetic location: 12q13.11.
Variant type: single nucleotide variant.
Coding change: c.3316C>G on transcript NM_001844.5 (MANE Select); coding-DNA position 3316, C replaced by G.
Protein change: p.Arg1106Gly; replaces arginine 1106 with glycine.
Molecular consequence: missense variant.
Genome position (GRCh38, 1-based): chr12:47,977,113, G>C on the plus strand (C>G on the coding strand, the complement: COL2A1 is on the minus strand). VCF-style: chr12-47977113-G-C. GRCh37 (hg19) VCF-style: chr12-48370896-G-C.
Other names: c.3109C>G, p.Arg1037Gly (NM_033150.3); short protein forms R1037G, R1106G.
Identifiers: ClinVar variation 4857274 (VCV004857274.1).